The following is an entry in ClinVar:

ClinVar aggregate classification (germline): Pathogenic. Review status: criteria provided, multiple submitters, no conflicts (2 of 4 stars). 3 submissions from 3 submitters: Pathogenic (3). Last evaluated 2023-05-04.

Conditions:
Hereditary breast ovarian cancer syndrome. Also called: Hereditary breast and ovarian cancer syndrome (HBOC); Hereditary breast and ovarian cancer syndrome; Breast and ovarian cancer; Hereditary breast and/or ovarian cancer syndrome; Hereditary breast and ovarian cancer; BRCA1- and BRCA2-Associated Hereditary Breast and Ovarian Cancer. Identifiers: Orphanet 145, MedGen C0677776, MeSH D061325, MONDO:0003582. Disease mechanism: loss of function.
Hereditary cancer-predisposing syndrome. Also called: Neoplastic Syndromes, Hereditary; Hereditary Cancer Syndrome; Hereditary neoplastic syndrome; Tumor predisposition. Identifiers: Orphanet 140162, MedGen C0027672, MeSH D009386, MONDO:0015356.

Submissions (3):

Color Diagnostics, LLC DBA Color Health
Classification: Pathogenic for Hereditary cancer-predisposing syndrome. Last evaluated: 2023-05-04. Review status: criteria provided, single submitter. Criteria: ACMG Guidelines, 2015. Collection method: clinical testing. Allele origin: germline.
Comment: This variant deletes 2 nucleotides in exon 22 of the BRCA2 gene, creating a frameshift and premature translation stop signal. This variant is expected to result in an absent or non-functional protein product. A functional study has shown this variant impairs nuclear RAD51 localization and RAD51 foci formation (PMID: 31360874). To our knowledge, this variant has not been reported in individuals affected with BRCA2-related disorders in the literature. This variant has not been identified in the general population by the Genome Aggregation Database (gnomAD). Loss of BRCA2 function is a known mechanism of disease. Based on the available evidence, this variant is classified as Pathogenic.

Labcorp Genetics (formerly Invitae), Labcorp
Classification: Pathogenic for Hereditary breast ovarian cancer syndrome. Last evaluated: 2021-07-31. Review status: criteria provided, single submitter. Criteria: Invitae Variant Classification Sherloc (09022015). Collection method: clinical testing. Allele origin: germline.
Comment: Loss-of-function variants in BRCA2 are known to be pathogenic (PMID: 20104584). For these reasons, this variant has been classified as Pathogenic. This variant has not been reported in the literature in individuals with BRCA2-related disease. ClinVar contains an entry for this variant (Variation ID: 462507). This variant is not present in population databases (ExAC no frequency). This sequence change creates a premature translational stop signal (p.Lys2982Argfs*35) in the BRCA2 gene. It is expected to result in an absent or disrupted protein product.

Ambry Genetics
Classification: Pathogenic for Hereditary cancer-predisposing syndrome. Last evaluated: 2020-12-02. Review status: criteria provided, single submitter. Criteria: Ambry Variant Classification Scheme 2023. Collection method: clinical testing. Allele origin: germline.
Comment: The c.8945_8946delAA pathogenic mutation, located in coding exon 21 of the BRCA2 gene, results from a deletion of two nucleotides at nucleotide positions 8945 to 8946, causing a translational frameshift with a predicted alternate stop codon (p.K2982Rfs*35). This alteration is expected to result in loss of function by premature protein truncation or nonsense-mediated mRNA decay. As such, this alteration is interpreted as a disease-causing mutation.

Literature cited by the submitters: PubMed 31360874 (cited by Color Diagnostics, LLC DBA Color Health); PubMed 20104584 (cited by Labcorp Genetics (formerly Invitae), Labcorp).

NM_000059.4(BRCA2):c.8945_8946del (p.Lys2982fs)

Gene: BRCA2 (BRCA2 DNA repair associated; plus strand). Cytogenetic location: 13q13.1.
Variant type: Deletion.
Coding change: c.8945_8946del on transcript NM_000059.4 (MANE Select); coding-DNA positions 8945 to 8946, 2 bases deleted (AA; older notation c.8945_8946delAA).
Protein change: p.Lys2982fs; shifts the reading frame from lysine 2982.
Molecular consequence: frameshift variant.
Genome position (GRCh38, 1-based): chr13:32,379,507-32,379,508, AA deleted; deleting any 2 consecutive bases within chr13:32,379,504-32,379,508 gives the same sequence; the c. name uses the placement nearest the transcript's 3' end. VCF-style (leftmost placement, unchanged base first): chr13-32379503-GAA-G. GRCh37 (hg19) VCF-style: chr13-32953640-GAA-G.
Other names: c.8945_8946delAA (NM_000059.3); short protein forms K2982fs.
Identifiers: ClinVar variation 462507 (VCV000462507.14), dbSNP rs80359733, ClinGen allele CA658656412.